The following is an entry in ClinVar:

NM_005159.5(ACTC1):c.1128C>T (p.Cys376=)

Genes: GJD2-DT (GJD2 divergent transcript; plus strand), ACTC1 (actin alpha cardiac muscle 1; minus strand). Cytogenetic location: 15q14.
Variant type: single nucleotide variant.
Coding change: c.1128C>T on transcript NM_005159.5 (MANE Select); coding-DNA position 1128, C replaced by T.
Protein change: p.Cys376=; no amino-acid change (cysteine 376 retained).
Molecular consequence: synonymous variant.
Genome position (GRCh38, 1-based): chr15:34,790,418, G>A on the plus strand (C>T on the coding strand, the complement: ACTC1 is on the minus strand). VCF-style: chr15-34790418-G-A. GRCh37 (hg19) VCF-style: chr15-35082619-G-A.
Identifiers: ClinVar variation 920426 (VCV000920426.7), dbSNP rs1891679853, ClinGen allele CA489417578.

ClinVar aggregate classification (germline): Likely benign. Review status: criteria provided, multiple submitters, no conflicts (2 of 4 stars). 4 submissions from 4 submitters: Likely benign (4). Last evaluated 2025-09-28.

Conditions:
Cardiovascular phenotype. Identifiers: MedGen CN230736.
Cardiomyopathy (CMYO). Also called: Cardiomyopathies. Identifiers: Orphanet 167848, MedGen C0878544, MONDO:0004994, HP:0001638. Inheritance: Various modes of inheritance.
Atrial septal defect 5 (ASD5). Identifiers: Orphanet 1478, MedGen C2748552, MONDO:0013011, OMIM 612794.
Dilated cardiomyopathy 1R (CMD1R). Identifiers: Orphanet 154, Orphanet 54260, MedGen C3150681, MONDO:0013261, OMIM 613424.
Hypertrophic cardiomyopathy 11. Also called: ACTC1-Related Familial Hypertrophic Cardiomyopathy. Identifiers: MedGen C2677506, MONDO:0012799, OMIM 612098.
Hypertrophic cardiomyopathy. Also called: HYPERTROPHIC MYOCARDIOPATHY. Identifiers: Orphanet 217569, MedGen C0007194, MeSH D002312, MONDO:0005045, HP:0001639.

Allele frequency attached by ClinVar (database versions not stated): gnomAD exomes below 0.00001.
gnomAD v4.1: 1 of 1,613,866 alleles (0.000062%); highest among the groups gnomAD compares: South Asian, 0.0011%; no homozygotes.

Submissions (4):

Ambry Genetics
Classification: Likely benign for Cardiovascular phenotype. Last evaluated: 2025-09-28. Review status: criteria provided, single submitter. Criteria: Ambry Variant Classification Scheme 2023. Collection method: clinical testing. Allele origin: germline.

Labcorp Genetics (formerly Invitae), Labcorp
Classification: Likely benign for Dilated cardiomyopathy 1R; Hypertrophic cardiomyopathy 11; Atrial septal defect 5. Last evaluated: 2024-05-06. Review status: criteria provided, single submitter. Criteria: Invitae Variant Classification Sherloc (09022015). Collection method: clinical testing. Allele origin: germline.

All of Us Research Program, National Institutes of Health
Classification: Likely benign for Hypertrophic cardiomyopathy. Last evaluated: 2023-06-28. Review status: criteria provided, single submitter. Criteria: ACMG Guidelines, 2015. Collection method: clinical testing. Allele origin: germline. Inheritance: Autosomal dominant inheritance. Observed: 1 variant allele, 1 heterozygote.
Comment: This study involves interpretation of variants in research participants for the purpose of population health screening. Participant phenotype was not available at the time of variant classification. Additional details can be found in publication PMID: 35346344, PMCID: PMC8962531

Color Diagnostics, LLC DBA Color Health
Classification: Likely benign for Cardiomyopathy. Last evaluated: 2019-02-21. Review status: criteria provided, single submitter. Criteria: ACMG Guidelines, 2015. Collection method: clinical testing. Allele origin: germline.